The following is an entry in ClinVar:

ClinVar aggregate classification (germline): Uncertain significance (1 of 4 stars; one submission).

Conditions:
Hereditary cancer-predisposing syndrome. Also called: Neoplastic Syndromes, Hereditary; Tumor predisposition; Hereditary neoplastic syndrome; Hereditary Cancer Syndrome. Identifiers: Orphanet 140162, MedGen C0027672, MeSH D009386, MONDO:0015356.

Submission:

Ambry Genetics
Classification: Uncertain significance for Hereditary cancer-predisposing syndrome. Last evaluated: 2024-02-02. Review status: criteria provided, single submitter. Criteria: Ambry Variant Classification Scheme 2023. Collection method: clinical testing. Allele origin: germline.
Comment: The p.E206G variant (also known as c.617A>G), located in coding exon 4 of the CDK4 gene, results from an A to G substitution at nucleotide position 617. The glutamic acid at codon 206 is replaced by glycine, an amino acid with similar properties. This amino acid position is conserved. In addition, this alteration is predicted to be deleterious by in silico analysis. Based on the available evidence, the clinical significance of this alteration remains unclear.

NM_000075.4(CDK4):c.617A>G (p.Glu206Gly)

Gene: CDK4 (cyclin dependent kinase 4; minus strand). Cytogenetic location: 12q14.1.
Variant type: single nucleotide variant.
Coding change: c.617A>G on transcript NM_000075.4 (MANE Select); coding-DNA position 617, A replaced by G.
Protein change: p.Glu206Gly; replaces glutamic acid 206 with glycine.
Molecular consequence: missense variant.
Genome position (GRCh38, 1-based): chr12:57,750,671, T>C on the plus strand (A>G on the coding strand, the complement: CDK4 is on the minus strand). VCF-style: chr12-57750671-T-C. GRCh37 (hg19) VCF-style: chr12-58144454-T-C.
Other names: short protein forms E206G.
Identifiers: ClinVar variation 3230240 (VCV003230240.1), dbSNP rs2140385627, ClinGen allele CA385545581.